The following is an entry in ClinVar:

NM_001080397.3(SLC45A1):c.1020G>A (p.Pro340=)

Gene: SLC45A1 (solute carrier family 45 member 1; plus strand). Cytogenetic location: 1p36.23.
Variant type: single nucleotide variant.
Coding change: c.1020G>A on transcript NM_001080397.3 (MANE Select); coding-DNA position 1020, G replaced by A.
Protein change: p.Pro340=; no amino-acid change (proline 340 retained).
Molecular consequence: synonymous variant.
Genome position (GRCh38, 1-based): chr1:8,330,513, G>A. VCF-style: chr1-8330513-G-A. GRCh37 (hg19) VCF-style: chr1-8390573-G-A.
Other names: c.1020G>A, p.Pro340= (NM_001379614.1); c.927G>A, p.Pro309= (NM_001379615.1, NM_001379616.1); c.414G>A, p.Pro138= (NM_001379617.1, NM_001379618.1).
Identifiers: ClinVar variation 5039203 (VCV005039203.1).

ClinVar aggregate classification (germline): Likely benign (1 of 4 stars; one submission).

gnomAD v4.1: 22 of 1,613,100 alleles (0.0014%); highest among the groups gnomAD compares: Middle Eastern, 0.016%; no homozygotes.

Submission:

CeGaT Center for Human Genetics Tuebingen
Classification: Likely benign. Last evaluated: 2026-07-01. Review status: criteria provided, single submitter. Criteria: CeGaT Center For Human Genetics Tuebingen Variant Classification Criteria Version 2. Collection method: clinical testing. Allele origin: germline. Affected: yes. Observed: 1 variant allele.
Comment: SLC45A1: BP4, BP7